The following is an entry in ClinVar:

ClinVar aggregate classification (germline): Uncertain significance (1 of 4 stars; one submission).

Conditions:
PLXNA1-related disorder. Also called: PLXNA1-related condition.

Allele frequency attached by ClinVar (database versions not stated): gnomAD 0.00001; ExAC 0.00003; TOPMed 0.00006; ESP Exome Variant Server 0.00008.
gnomAD v4.1: 45 of 1,609,166 alleles (0.0028%); highest among the groups gnomAD compares: South Asian, 0.011%; no homozygotes.

Submission:

PreventionGenetics, part of Exact Sciences
Classification: Uncertain significance for PLXNA1-related condition. Last evaluated: 2025-10-15. Review status: criteria provided, single submitter. Criteria: ACMG Guidelines, 2015. Collection method: clinical testing. Allele origin: germline.
Comment: The PLXNA1 c.1409G>A variant is predicted to result in the amino acid substitution p.Arg470Gln. To our knowledge, this variant has not been reported in the literature. This variant is reported in 0.019% of alleles in individuals of African descent in gnomAD. At this time, the clinical significance of this variant is uncertain due to the absence of conclusive functional and genetic evidence.

NM_032242.4(PLXNA1):c.1409G>A (p.Arg470Gln)

Gene: PLXNA1 (plexin A1; plus strand). Cytogenetic location: 3q21.3.
Variant type: single nucleotide variant.
Coding change: c.1409G>A on transcript NM_032242.4 (MANE Select); coding-DNA position 1409, G replaced by A.
Protein change: p.Arg470Gln; replaces arginine 470 with glutamine.
Molecular consequence: missense variant.
Genome position (GRCh38, 1-based): chr3:127,003,361, G>A. VCF-style: chr3-127003361-G-A. GRCh37 (hg19) VCF-style: chr3-126722204-G-A.
Other names: short protein forms R470Q.
Identifiers: ClinVar variation 2632126 (VCV002632126.3), dbSNP rs374308165, ClinGen allele CA2593235.